The following is an entry in ClinVar:

NM_022836.4(DCLRE1B):c.10G>A (p.Val4Ile)

Gene: DCLRE1B (DNA cross-link repair 1B; plus strand). Cytogenetic location: 1p13.2.
Variant type: single nucleotide variant.
Coding change: c.10G>A on transcript NM_022836.4 (MANE Select); coding-DNA position 10, G replaced by A.
Protein change: p.Val4Ile; replaces valine 4 with isoleucine.
Molecular consequence: missense variant. On other transcripts: 5 prime UTR variant (3).
Genome position (GRCh38, 1-based): chr1:113,905,596, G>A. VCF-style: chr1-113905596-G-A. GRCh37 (hg19) VCF-style: chr1-114448218-G-A.
Other names: c.-203G>A (NM_001319946.2, NM_001319947.2, NM_001363691.2); c.10G>A, p.Val4Ile (NM_001363690.2, LRG_1219t1); short protein forms V4I.
Identifiers: ClinVar variation 570621 (VCV000570621.9), dbSNP rs1437958560, ClinGen allele CA341694639.
Genomic context (GRCh38, chr1:113,905,596, plus strand): 5'-GAGCCCTGCCCCCGTGGAGAAGATCCCACTGGTGACTCCAACCCTACCACCATGAATGGG[G>A]TCCTGATCCCCCATACGCCCATCGCAGTGGACTTCTGGAGCCTGCGCCGGGCTGGCACCG-3'
Protein context (NP_073747.1, residues 1-14): MNG[Val4Ile]LIPHTPIAVD

ClinVar aggregate classification (germline): Uncertain significance (1 of 4 stars; one submission).

Conditions:
Hoyeraal-Hreidarsson syndrome (HHS). Also called: CEREBELLAR HYPOPLASIA WITH PANCYTOPENIA. Identifiers: Orphanet 3322, MedGen C1846142, MONDO:0018045.
Autosomal recessive dyskeratosis congenita. Identifiers: MedGen C3502105.

Allele frequency attached by ClinVar (database versions not stated): gnomAD exomes below 0.00001.
gnomAD v4.1: 2 of 1,614,144 alleles (0.00012%); highest among the groups gnomAD compares: Admixed American, 0.0033%; no homozygotes.

Submission:

Labcorp Genetics (formerly Invitae), Labcorp
Classification: Uncertain significance for Hoyeraal-Hreidarsson syndrome; Autosomal recessive dyskeratosis congenita. Last evaluated: 2018-10-10. Review status: criteria provided, single submitter. Criteria: Invitae Variant Classification Sherloc (09022015). Collection method: clinical testing. Allele origin: germline.
Comment: This sequence change replaces valine with isoleucine at codon 4 of the DCLRE1B protein (p.Val4Ile). The valine residue is weakly conserved and there is a small physicochemical difference between valine and isoleucine. This variant is not present in population databases (ExAC no frequency). This variant has not been reported in the literature in individuals with DCLRE1B-related disease. Algorithms developed to predict the effect of missense changes on protein structure and function (SIFT, PolyPhen-2, Align-GVGD) all suggest that this variant is likely to be tolerated, but these predictions have not been confirmed by published functional studies and their clinical significance is uncertain. In summary, the available evidence is currently insufficient to determine the role of this variant in disease. Therefore, it has been classified as a Variant of Uncertain Significance.